The following is an entry in ClinVar:

ClinVar aggregate classification (germline): Conflicting classifications of pathogenicity. Review status: criteria provided, conflicting classifications (1 of 4 stars). 2 submissions from 2 submitters: Uncertain significance (1); Likely benign (1). Last evaluated 2026-01-12.

Allele frequency attached by ClinVar (database versions not stated): gnomAD 0.00047; ExAC 0.00059; TOPMed 0.00003; ESP Exome Variant Server 0.00008; gnomAD exomes 0.00027; 1000 Genomes Project 30x 0.00031.
gnomAD v4.1: 459 of 1,592,300 alleles (0.029%); highest among the groups gnomAD compares: Non-Finnish European, 0.0071%; 1 homozygote.

Submissions (2):

Labcorp Genetics (formerly Invitae), Labcorp
Classification: Likely benign. Last evaluated: 2026-01-12. Review status: criteria provided, single submitter. Criteria: Invitae Variant Classification Sherloc (09022015). Collection method: clinical testing. Allele origin: germline.

Mayo Clinic Laboratories, Mayo Clinic
Classification: Uncertain significance. Last evaluated: 2024-05-29. Review status: criteria provided, single submitter. Criteria: ACMG Guidelines, 2015. Collection method: clinical testing. Allele origin: germline. Observed: 1 variant allele.
Comment: PP3

NM_018671.5(UNC45A):c.51+5G>A

Genes: UNC45A (unc-45 myosin chaperone A; plus strand), LOC130057954 (ATAC-STARR-seq lymphoblastoid silent region 6833; plus strand). Cytogenetic location: 15q26.1.
Variant type: single nucleotide variant.
Coding change: c.51+5G>A on transcript NM_018671.5 (MANE Select); 5 bases into the intron after coding-DNA position 51, G replaced by A.
Molecular consequence: intron variant.
Genome position (GRCh38, 1-based): chr15:90,935,380, G>A. VCF-style: chr15-90935380-G-A. GRCh37 (hg19) VCF-style: chr15-91478610-G-A.
Other names: c.6+50G>A (NM_001039675.2, NM_001323621.2); c.51+5G>A (NM_001323619.1); c.-533+5G>A (NM_001323620.2).
Identifiers: ClinVar variation 2188041 (VCV002188041.5), dbSNP rs374140812, ClinGen allele CA7742389.